The following is an entry in ClinVar:

ClinVar aggregate classification (germline): Uncertain significance (1 of 4 stars; one submission).

Conditions:
Autosomal recessive limb-girdle muscular dystrophy type 2J (LGMDR10). Also called: Limb-girdle muscular dystrophy, type 2J; MUSCULAR DYSTROPHY, LIMB-GIRDLE, AUTOSOMAL RECESSIVE 10. Identifiers: Orphanet 140922, MedGen C1837342, MONDO:0012127, OMIM 608807.
Dilated cardiomyopathy 1G (CMD1G). Identifiers: Orphanet 154, MedGen C1858763, MONDO:0011400, OMIM 604145.

Submission:

Labcorp Genetics (formerly Invitae), Labcorp
Classification: Uncertain significance for Dilated cardiomyopathy 1G; Autosomal recessive limb-girdle muscular dystrophy type 2J. Last evaluated: 2022-02-06. Review status: criteria provided, single submitter. Criteria: Invitae Variant Classification Sherloc (09022015). Collection method: clinical testing. Allele origin: germline.
Comment: This sequence change replaces glutamic acid, which is acidic and polar, with glutamine, which is neutral and polar, at codon 33727 of the TTN protein (p.Glu33727Gln). This variant is not present in population databases (gnomAD no frequency). This variant has not been reported in the literature in individuals affected with TTN-related conditions. Experimental studies and prediction algorithms are not available or were not evaluated, and the functional significance of this variant is currently unknown. This variant is located in the M band of TTN (PMID: 25589632). Variants in this region may be relevant for neuromuscular disorders, but have not been definitively shown to cause cardiomyopathy (PMID: 23975875). In summary, the available evidence is currently insufficient to determine the role of this variant in disease. Therefore, it has been classified as a Variant of Uncertain Significance.

Literature cited by the submitters: PubMed 25589632; PubMed 23975875.

NM_001267550.2(TTN):c.101179G>C (p.Glu33727Gln)

Genes: TTN (titin; minus strand), TTN-AS1 (TTN antisense RNA 1; plus strand). Cytogenetic location: 2q31.2.
Variant type: single nucleotide variant.
Coding change: c.101179G>C on transcript NM_001267550.2 (MANE Select); coding-DNA position 101179, G replaced by C.
Protein change: p.Glu33727Gln; replaces glutamic acid 33727 with glutamine.
Molecular consequence: missense variant.
Genome position (GRCh38, 1-based): chr2:178,535,436, C>G on the plus strand (G>C on the coding strand, the complement: TTN is on the minus strand). VCF-style: chr2-178535436-C-G. GRCh37 (hg19) VCF-style: chr2-179400163-C-G.
Other names: c.96256G>C, p.Glu32086Gln (NM_001256850.1); c.73984G>C, p.Glu24662Gln (NM_003319.4); c.93475G>C, p.Glu31159Gln (NM_133378.4); c.74359G>C, p.Glu24787Gln (NM_133432.3); c.74560G>C, p.Glu24854Gln (NM_133437.4); short protein forms E24787Q, E31159Q, E32086Q, E24854Q, E24662Q, E33727Q.
Identifiers: ClinVar variation 2051553 (VCV002051553.4), dbSNP rs2468574832, ClinGen allele CA349421417.
Genomic context (GRCh38, chr2:178,535,436, plus strand): 5'-AACGTGTTTCTCGGGCCTGTCCTACACGGAGCCATCTTTCTGCAGTAGTTGCACATTTTT[C>G]AACAATGTAGTTGGTGATTTTGCTGCCACCATCAGAGGCTGGCTCAGTCCATGTTAAGTT-3'
Protein context (NP_001254479.2, residues 33717-33737): GGSKITNYIV[Glu33727Gln]KCATTAERWL